The following is an entry in ClinVar:

ClinVar aggregate classification (germline): Conflicting classifications of pathogenicity. Review status: criteria provided, conflicting classifications (1 of 4 stars). 3 submissions from 3 submitters: Uncertain significance (2); Likely benign (1). Last evaluated 2024-07-30.

Conditions:
Myofibrillar myopathy 5. Also called: Filaminopathy (type); FILAMINOPATHY, AUTOSOMAL DOMINANT. Identifiers: Orphanet 171445, MedGen C1836050, MONDO:0012289, OMIM 609524.
Distal myopathy with posterior leg and anterior hand involvement. Also called: WILLIAMS DISTAL MYOPATHY. Identifiers: Orphanet 63273, MedGen C3279722, MONDO:0013550, OMIM 614065.
Hypertrophic cardiomyopathy 26. Also called: Cardiomyopathy, familial hypertrophic, 26. Identifiers: Orphanet 75249, MedGen C4310749, MONDO:0014883, OMIM 617047.
Cardiovascular phenotype. Identifiers: MedGen CN230736.

Allele frequency attached by ClinVar (database versions not stated): gnomAD exomes 0.00001; ExAC 0.00002; 1000 Genomes Project 30x 0.00016; 1000 Genomes Project 0.00020.

Submissions (3):

GeneDx
Classification: Uncertain significance. Last evaluated: 2024-07-30. Review status: criteria provided, single submitter. Criteria: GeneDx Variant Classification Process June 2021. Collection method: clinical testing. Allele origin: germline. Affected: yes.
Comment: Reported in at least one individual with HCM (PMID: 28138913, 32112656); In silico analysis supports that this missense variant has a deleterious effect on protein structure/function; This variant is associated with the following publications: (PMID: 32112656, 28138913)

Labcorp Genetics (formerly Invitae), Labcorp
Classification: Likely benign for Distal myopathy with posterior leg and anterior hand involvement; Myofibrillar myopathy 5; Hypertrophic cardiomyopathy 26. Last evaluated: 2023-11-24. Review status: criteria provided, single submitter. Criteria: Invitae Variant Classification Sherloc (09022015). Collection method: clinical testing. Allele origin: germline.

Ambry Genetics
Classification: Uncertain significance for Cardiovascular phenotype. Last evaluated: 2021-10-28. Review status: criteria provided, single submitter. Criteria: Ambry Variant Classification Scheme 2023. Collection method: clinical testing. Allele origin: germline.
Comment: The p.N329S variant (also known as c.986A>G), located in coding exon 6 of the FLNC gene, results from an A to G substitution at nucleotide position 986. The asparagine at codon 329 is replaced by serine, an amino acid with highly similar properties. This alteration has been reported in a hypertrophic cardiomyopathy (HCM) cohort; however, clinical details were limited (Alejandra Restrepo-Cordoba M et al. J Cardiovasc Transl Res, 2017 Feb;10:35-46). This amino acid position is well conserved in available vertebrate species. In addition, this alteration is predicted to be tolerated by in silico analysis. Since supporting evidence is limited at this time, the clinical significance of this alteration remains unclear.

Literature cited by the submitters: PubMed 28138913 (cited by Ambry Genetics).

NM_001458.5(FLNC):c.986A>G (p.Asn329Ser)

Gene: FLNC (filamin C; plus strand). Cytogenetic location: 7q32.1.
Variant type: single nucleotide variant.
Coding change: c.986A>G on transcript NM_001458.5 (MANE Select); coding-DNA position 986, A replaced by G.
Protein change: p.Asn329Ser; replaces asparagine 329 with serine.
Molecular consequence: missense variant.
Genome position (GRCh38, 1-based): chr7:128,838,003, A>G. VCF-style: chr7-128838003-A-G. GRCh37 (hg19) VCF-style: chr7-128478057-A-G.
Other names: c.986A>G, p.Asn329Ser (NM_001127487.2); short protein forms N329S.
Identifiers: ClinVar variation 1480247 (VCV001480247.11), dbSNP rs536935095, ClinGen allele CA4474191.